The following is an entry in ClinVar:

NM_001165963.4(SCN1A):c.4727T>A (p.Ile1576Asn)

Genes: SCN1A (sodium voltage-gated channel alpha subunit 1; minus strand), LOC102724058 (uncharacterized LOC102724058; plus strand). Cytogenetic location: 2q24.3.
Variant type: single nucleotide variant.
Coding change: c.4727T>A on transcript NM_001165963.4 (MANE Select); coding-DNA position 4727, T replaced by A.
Protein change: p.Ile1576Asn; replaces isoleucine 1576 with asparagine.
Molecular consequence: missense variant. On other transcripts: non-coding transcript variant (1).
Genome position (GRCh38, 1-based): chr2:165,994,271, A>T on the plus strand (T>A on the coding strand, the complement: SCN1A is on the minus strand). VCF-style: chr2-165994271-A-T. GRCh37 (hg19) VCF-style: chr2-166850781-A-T.
Other names: c.4643T>A, p.Ile1548Asn (NM_001165964.3, NM_001353957.2, NM_001353958.2); c.4727T>A, p.Ile1576Asn (NM_001202435.3, NM_001353948.2); c.4694T>A, p.Ile1565Asn (NM_001353949.2, NM_001353950.2, NM_001353951.2 and 2 more transcripts); c.4691T>A, p.Ile1564Asn (NM_001353954.2, NM_001353955.2); c.4640T>A, p.Ile1547Asn (NM_001353960.2); c.2285T>A, p.Ile762Asn (NM_001353961.2); short protein forms I762N, I1564N, I1565N, I1547N, I1576N, I1548N.
Identifiers: ClinVar variation 1496523 (VCV001496523.9), dbSNP rs2105448524, ClinGen allele CA349071850.
Genomic context (GRCh38, chr2:165,994,271, plus strand): 5'-CGTAGAGAGATGAGTTTCAGTACACACTCTCCAGTAAATAGCACAATGAACACCAGATTG[A>T]TGCGTGACAAAATGGTAGTCACATATTCACTCTGGTCATCTGTTTCCACCATCATTGTGA-3'
Protein context (NP_001159435.1, residues 1566-1586): SEYVTTILSR[Ile1576Asn]NLVFIVLFTG

ClinVar aggregate classification (germline): Uncertain significance (1 of 4 stars; one submission).

Conditions:
Early-infantile DEE. Also called: Early infantile epileptic encephalopathy; Early infantile epileptic encephalopathy with suppression bursts; Ohtahara syndrome. Identifiers: Orphanet 1934, MedGen C0393706, MONDO:0800491.

Submission:

Labcorp Genetics (formerly Invitae), Labcorp
Classification: Uncertain significance for Early-infantile DEE. Last evaluated: 2021-09-24. Review status: criteria provided, single submitter. Criteria: Invitae Variant Classification Sherloc (09022015). Collection method: clinical testing. Allele origin: germline.
Comment: This sequence change replaces isoleucine with asparagine at codon 1576 of the SCN1A protein (p.Ile1576Asn). The isoleucine residue is highly conserved and there is a large physicochemical difference between isoleucine and asparagine. This variant is not present in population databases (ExAC no frequency). This variant has been observed in individual(s) with clinical features of SCN1A-related conditions (Invitae). Advanced modeling of protein sequence and biophysical properties (such as structural, functional, and spatial information, amino acid conservation, physicochemical variation, residue mobility, and thermodynamic stability) performed at Invitae indicates that this missense variant is expected to disrupt SCN1A protein function. This variant disrupts the p.Ile1576 amino acid residue in SCN1A. Other variant(s) that disrupt this residue have been observed in individuals with SCN1A-related conditions (Invitae), which suggests that this may be a clinically significant amino acid residue. In summary, the available evidence is currently insufficient to determine the role of this variant in disease. Therefore, it has been classified as a Variant of Uncertain Significance.